The following is an entry in ClinVar:

ClinVar aggregate classification (germline): Likely benign. Review status: criteria provided, multiple submitters, no conflicts (2 of 4 stars). 2 submissions from 2 submitters: Likely benign (2). Last evaluated 2025-02-01.

Conditions:
Inborn genetic diseases. Identifiers: MedGen C0950123, MeSH D030342.

Allele frequency attached by ClinVar (database versions not stated): ExAC 0.00008; ESP Exome Variant Server 0.00034.
gnomAD v4.1: 270 of 1,601,116 alleles (0.017%); highest among the groups gnomAD compares: Non-Finnish European, 0.023%; no homozygotes.

Submissions (2):

CeGaT Center for Human Genetics Tuebingen
Classification: Likely benign. Last evaluated: 2025-02-01. Review status: criteria provided, single submitter. Criteria: CeGaT Center For Human Genetics Tuebingen Variant Classification Criteria Version 2. Collection method: clinical testing. Allele origin: germline. Affected: yes. Observed: 2 variant alleles.
Comment: MED13: BS1

Ambry Genetics
Classification: Likely benign for Inborn genetic diseases. Last evaluated: 2024-12-03. Review status: criteria provided, single submitter. Criteria: Ambry Variant Classification Scheme 2023. Collection method: clinical testing. Allele origin: germline.

NM_005121.3(MED13):c.403A>G (p.Asn135Asp)

Gene: MED13 (mediator complex subunit 13; minus strand). Cytogenetic location: 17q23.2.
Variant type: single nucleotide variant.
Coding change: c.403A>G on transcript NM_005121.3 (MANE Select); coding-DNA position 403, A replaced by G.
Protein change: p.Asn135Asp; replaces asparagine 135 with aspartic acid.
Molecular consequence: missense variant.
Genome position (GRCh38, 1-based): chr17:62,052,604, T>C on the plus strand (A>G on the coding strand, the complement: MED13 is on the minus strand). VCF-style: chr17-62052604-T-C. GRCh37 (hg19) VCF-style: chr17-60129965-T-C.
Other names: c.403A>G (NM_005121.2); short protein forms N135D.
Identifiers: ClinVar variation 2672706 (VCV002672706.24), dbSNP rs201817037, ClinGen allele CA8693319.